The following is an entry in ClinVar:

NM_182894.3(VSX2):c.162C>A (p.Asp54Glu)

Gene: VSX2 (visual system homeobox 2; plus strand). Cytogenetic location: 14q24.3.
Variant type: single nucleotide variant.
Coding change: c.162C>A on transcript NM_182894.3 (MANE Select); coding-DNA position 162, C replaced by A.
Protein change: p.Asp54Glu; replaces aspartic acid 54 with glutamic acid.
Molecular consequence: missense variant.
Genome position (GRCh38, 1-based): chr14:74,239,723, C>A. VCF-style: chr14-74239723-C-A. GRCh37 (hg19) VCF-style: chr14-74706426-C-A.
Other names: short protein forms D54E.
Identifiers: ClinVar variation 468358 (VCV000468358.30), dbSNP rs61747367, ClinGen allele CA7266243.

ClinVar aggregate classification (germline): Conflicting classifications of pathogenicity. Review status: criteria provided, conflicting classifications (1 of 4 stars). 7 submissions from 6 submitters: Uncertain significance (2); Likely benign (3). 2 of the submissions do not count toward it. Last evaluated 2026-01-06.

Conditions:
Microphthalmia. Also called: Microphthalmos. Identifiers: MedGen C0026010, MONDO:0021129, HP:0000568.
Isolated microphthalmia 2. Identifiers: Orphanet 2542, MedGen C1864720, MONDO:0012409, OMIM 610093.
Microphthalmia, isolated, with coloboma 3 (MCOPCB3). Also called: MICROPHTHALMIA, COLOBOMATOUS, 3; MICROPHTHALMIA/COLOBOMA 3. Identifiers: Orphanet 98938, MedGen C1864721, MONDO:0012408, OMIM 610092.
VSX2-related disorder. Also called: VSX2-related condition.

Allele frequency attached by ClinVar (database versions not stated): ExAC 0.00093; ESP Exome Variant Server 0.00194; gnomAD 0.00226; TOPMed 0.00261; 1000 Genomes Project 30x 0.00359; 1000 Genomes Project 0.00379.
gnomAD v4.1: 792 of 1,549,210 alleles (0.051%); highest among the groups gnomAD compares: African/African-American, 0.9%; 2 homozygotes.

Submissions (7):

Labcorp Genetics (formerly Invitae), Labcorp
Classification: Likely benign for Isolated microphthalmia 2. Last evaluated: 2026-01-06. Review status: criteria provided, single submitter. Criteria: Invitae Variant Classification Sherloc (09022015). Collection method: clinical testing. Allele origin: germline.

CeGaT Center for Human Genetics Tuebingen
Classification: Likely benign. Last evaluated: 2025-05-01. Review status: criteria provided, single submitter. Criteria: CeGaT Center For Human Genetics Tuebingen Variant Classification Criteria Version 2. Collection method: clinical testing. Allele origin: germline. Affected: yes. Observed: 1 variant allele.
Comment: VSX2: BS2

Blueprint Genetics
Classification: Likely benign. Last evaluated: 2024-11-27. Review status: criteria provided, single submitter. Criteria: ACMG Guidelines, 2015. Collection method: clinical testing. Allele origin: germline.

Illumina Laboratory Services, Illumina
Classification: Uncertain significance for Microphthalmia, isolated, with coloboma 3. Last evaluated: 2018-01-13. Review status: criteria provided, single submitter. Criteria: ICSL Variant Classification Criteria 13 December 2019. Collection method: clinical testing. Allele origin: germline.

Illumina Laboratory Services, Illumina
Classification: Uncertain significance for Isolated microphthalmia 2. Last evaluated: 2018-01-13. Review status: criteria provided, single submitter. Criteria: ICSL Variant Classification Criteria 13 December 2019. Collection method: clinical testing. Allele origin: germline.

Natera, Inc.
Classification: Likely benign for Microphthalmia. Last evaluated: 2020-09-16. Review status: no assertion criteria provided. Collection method: clinical testing. Allele origin: germline. Not counted in ClinVar's aggregate classification.

PreventionGenetics, part of Exact Sciences
Classification: Benign for VSX2-related condition. Last evaluated: 2019-09-23. Review status: no assertion criteria provided. Collection method: clinical testing. Allele origin: germline. Not counted in ClinVar's aggregate classification.
Comment: This variant is classified as benign based on ACMG/AMP sequence variant interpretation guidelines (Richards et al. 2015 PMID: 25741868, with internal and published modifications).